The following is an entry in ClinVar:

ClinVar aggregate classification (germline): Uncertain significance. Review status: criteria provided, multiple submitters, no conflicts (2 of 4 stars). 3 submissions from 3 submitters: Uncertain significance (3). Last evaluated 2026-08-03.

Conditions:
TTN-related disorder. Also called: TTN-related disorders; TTN-related condition; TTN-related disease.
Autosomal recessive limb-girdle muscular dystrophy type 2J (LGMDR10). Also called: Limb-girdle muscular dystrophy, type 2J; MUSCULAR DYSTROPHY, LIMB-GIRDLE, AUTOSOMAL RECESSIVE 10. Identifiers: Orphanet 140922, MedGen C1837342, MONDO:0012127, OMIM 608807.
Dilated cardiomyopathy 1G (CMD1G). Identifiers: Orphanet 154, MedGen C1858763, MONDO:0011400, OMIM 604145.

Allele frequency attached by ClinVar (database versions not stated): ExAC 0.00001; gnomAD exomes 0.00001 and 0.00002; TOPMed 0.00003; gnomAD 0.00006.
gnomAD v4.1: 26 of 1,611,394 alleles (0.0016%); highest among the groups gnomAD compares: African/African-American, 0.0094%; no homozygotes.

Submissions (3):

PreventionGenetics, part of Exact Sciences
Classification: Uncertain significance for TTN-related condition. Last evaluated: 2026-08-03. Review status: criteria provided, single submitter. Criteria: ACMG Guidelines, 2015. Collection method: clinical testing. Allele origin: germline.
Comment: The TTN c.68341G>A variant is predicted to result in the amino acid substitution p.Glu22781Lys. This variant has been reported in an individual with dilated cardiomyopathy (reported as c.63418G>A, p.Glu21140Lys (NM_001256850) in Table S3, Lian et al. 2023. PubMed ID: 37461109). This variant is reported in 0.0083% of alleles in individuals of African descent in gnomAD. At this time, the clinical significance of this variant is uncertain due to the absence of conclusive functional and genetic evidence.

Revvity Omics, Revvity
Classification: Uncertain significance. Last evaluated: 2024-04-22. Review status: criteria provided, single submitter. Criteria: ACMG Guidelines, 2015. Collection method: clinical testing. Allele origin: germline.

Labcorp Genetics (formerly Invitae), Labcorp
Classification: Uncertain significance for Dilated cardiomyopathy 1G; Autosomal recessive limb-girdle muscular dystrophy type 2J. Last evaluated: 2016-08-03. Review status: criteria provided, single submitter. Criteria: Invitae Variant Classification Sherloc (09022015). Collection method: clinical testing. Allele origin: germline.

NM_001267550.2(TTN):c.68341G>A (p.Glu22781Lys)

Genes: TTN (titin; minus strand), TTN-AS1 (TTN antisense RNA 1; plus strand). Cytogenetic location: 2q31.2.
Variant type: single nucleotide variant.
Coding change: c.68341G>A on transcript NM_001267550.2 (MANE Select); coding-DNA position 68341, G replaced by A.
Protein change: p.Glu22781Lys; replaces glutamic acid 22781 with lysine.
Molecular consequence: missense variant.
Genome position (GRCh38, 1-based): chr2:178,578,174, C>T on the plus strand (G>A on the coding strand, the complement: TTN is on the minus strand). VCF-style: chr2-178578174-C-T. GRCh37 (hg19) VCF-style: chr2-179442901-C-T.
Other names: c.63418G>A, p.Glu21140Lys (NM_001256850.1); c.41146G>A, p.Glu13716Lys (NM_003319.4); c.60637G>A, p.Glu20213Lys (NM_133378.4); c.41521G>A, p.Glu13841Lys (NM_133432.3); c.41722G>A, p.Glu13908Lys (NM_133437.4); short protein forms E22781K, E21140K, E13908K, E20213K, E13716K, E13841K.
Identifiers: ClinVar variation 405112 (VCV000405112.7), dbSNP rs760286642, ClinGen allele CA1991122.